The following is an entry in ClinVar:

NM_013275.6(ANKRD11):c.7091C>G (p.Ala2364Gly)

Gene: ANKRD11 (ankyrin repeat domain containing 11; minus strand). Cytogenetic location: 16q24.3.
Variant type: single nucleotide variant.
Coding change: c.7091C>G on transcript NM_013275.6 (MANE Select); coding-DNA position 7091, C replaced by G.
Protein change: p.Ala2364Gly; replaces alanine 2364 with glycine.
Molecular consequence: missense variant.
Genome position (GRCh38, 1-based): chr16:89,279,451, G>C on the plus strand (C>G on the coding strand, the complement: ANKRD11 is on the minus strand). VCF-style: chr16-89279451-G-C. GRCh37 (hg19) VCF-style: chr16-89345859-G-C.
Other names: c.7091C>G, p.Ala2364Gly (NM_001256182.2, NM_001256183.2); short protein forms A2364G.
Identifiers: ClinVar variation 2313094 (VCV002313094.2), dbSNP rs1366344146, ClinGen allele CA397149347.

ClinVar aggregate classification (germline): Uncertain significance (1 of 4 stars; one submission).

Conditions:
Inborn genetic diseases. Identifiers: MedGen C0950123, MeSH D030342.

Submission:

Ambry Genetics
Classification: Uncertain significance for Inborn genetic diseases. Last evaluated: 2022-09-22. Review status: criteria provided, single submitter. Criteria: Ambry Variant Classification Scheme 2023. Collection method: clinical testing. Allele origin: germline.
Comment: The c.7091C>G (p.A2364G) alteration is located in exon 9 (coding exon 7) of the ANKRD11 gene. This alteration results from a C to G substitution at nucleotide position 7091, causing the alanine (A) at amino acid position 2364 to be replaced by a glycine (G). This amino acid position is not well conserved in available vertebrate species. This alteration is predicted to be tolerated by in silico analysis. Based on insufficient or conflicting evidence, the clinical significance of this alteration remains unclear.